The following is an entry in ClinVar:

NM_004360.5(CDH1):c.1930G>T (p.Asp644Tyr)

Gene: CDH1 (cadherin 1; plus strand). Cytogenetic location: 16q22.1.
Variant type: single nucleotide variant.
Coding change: c.1930G>T on transcript NM_004360.5 (MANE Select); coding-DNA position 1930, G replaced by T.
Protein change: p.Asp644Tyr; replaces aspartic acid 644 with tyrosine.
Molecular consequence: missense variant. On other transcripts: 5 prime UTR variant (1).
Genome position (GRCh38, 1-based): chr16:68,822,219, G>T. VCF-style: chr16-68822219-G-T. GRCh37 (hg19) VCF-style: chr16-68856122-G-T.
Other names: c.1747G>T, p.Asp583Tyr (NM_001317184.2); c.-36G>T (NM_001317186.2); c.382G>T, p.Asp128Tyr (NM_001317185.2); short protein forms D644Y, D128Y, D583Y.
Identifiers: ClinVar variation 2453315 (VCV002453315.2), dbSNP rs587781696, ClinGen allele CA396467276.
Genomic context (GRCh38, chr16:68,822,219, plus strand): 5'-TCTCCCTTCACAGCAGAACTAACACACGGGGCGAGTGCCAACTGGACCATTCAGTACAAC[G>T]ACCCAAGTGGGTACCTGAGTTTTATTTTGGCAACTTTGCTCCAACTGCCATGCTTCCCTT-3'
Protein context (NP_004351.1, residues 634-654): ASANWTIQYN[Asp644Tyr]PTQESIILKP

ClinVar aggregate classification (germline): Uncertain significance (1 of 4 stars; one submission).

Conditions:
Hereditary cancer-predisposing syndrome. Also called: Neoplastic Syndromes, Hereditary; Tumor predisposition; Hereditary neoplastic syndrome; Hereditary Cancer Syndrome. Identifiers: Orphanet 140162, MedGen C0027672, MeSH D009386, MONDO:0015356.

Submission:

Ambry Genetics
Classification: Uncertain significance for Hereditary cancer-predisposing syndrome. Last evaluated: 2022-11-05. Review status: criteria provided, single submitter. Criteria: Ambry Variant Classification Scheme 2023. Collection method: clinical testing. Allele origin: germline.
Comment: The p.D644Y variant (also known as c.1930G>T), located in coding exon 12 of the CDH1 gene, results from a G to T substitution at nucleotide position 1930. The aspartic acid at codon 644 is replaced by tyrosine, an amino acid with highly dissimilar properties. This amino acid position is conserved. In addition, the in silico prediction for this alteration is inconclusive. Since supporting evidence is limited at this time, the clinical significance of this alteration remains unclear.